The following is an entry in ClinVar:

NM_000890.5(KCNJ5):c.646T>C (p.Cys216Arg)

Gene: KCNJ5 (potassium inwardly rectifying channel subfamily J member 5; plus strand). Cytogenetic location: 11q24.3.
Variant type: single nucleotide variant.
Coding change: c.646T>C on transcript NM_000890.5 (MANE Select); coding-DNA position 646, T replaced by C.
Protein change: p.Cys216Arg; replaces cysteine 216 with arginine.
Molecular consequence: missense variant.
Genome position (GRCh38, 1-based): chr11:128,911,919, T>C. VCF-style: chr11-128911919-T-C. GRCh37 (hg19) VCF-style: chr11-128781814-T-C.
Other names: c.646T>C, p.Cys216Arg (NM_001354169.2); short protein forms C216R.
Identifiers: ClinVar variation 2575556 (VCV002575556.2), dbSNP rs2497724279, ClinGen allele CA383249482.
Genomic context (GRCh38, chr11:128,911,919, plus strand): 5'-AGAGCGGAGACCCTCATGTTTTCCAACAACGCAGTCATCTCCATGCGGGACGAGAAGCTG[T>C]GCCTCATGTTCCGGGTGGGCGACCTCCGCAACTCCCACATCGTGGAGGCCTCCATCCGGG-3'
Protein context (NP_000881.3, residues 206-226): AVISMRDEKL[Cys216Arg]LMFRVGDLRN

ClinVar aggregate classification (germline): Uncertain significance (1 of 4 stars; one submission).

Submission:

GeneDx
Classification: Uncertain significance. Last evaluated: 2023-10-19. Review status: criteria provided, single submitter. Criteria: GeneDx Variant Classification Process June 2021. Collection method: clinical testing. Allele origin: germline. Affected: yes.
Comment: Has not been previously published as pathogenic or benign to our knowledge; Not observed at significant frequency in large population cohorts (gnomAD); In silico analysis supports that this missense variant has a deleterious effect on protein structure/function